The following is an entry in ClinVar:

ClinVar aggregate classification (germline): Uncertain significance (1 of 4 stars; one submission).

gnomAD v4.1: 7 of 1,613,068 alleles (0.00043%); highest among the groups gnomAD compares: South Asian, 0.0011%; no homozygotes.

Submission:

GeneDx
Classification: Uncertain significance. Last evaluated: 2022-09-13. Review status: criteria provided, single submitter. Criteria: GeneDx Variant Classification Process June 2021. Collection method: clinical testing. Allele origin: germline. Affected: yes.
Comment: Not observed at significant frequency in large population cohorts (gnomAD); In silico analysis supports that this missense variant has a deleterious effect on protein structure/function; Has not been previously published as pathogenic or benign to our knowledge

NM_004082.5(DCTN1):c.3293C>T (p.Ser1098Phe)

Gene: DCTN1 (dynactin subunit 1; minus strand). Cytogenetic location: 2p13.1.
Variant type: single nucleotide variant.
Coding change: c.3293C>T on transcript NM_004082.5 (MANE Select); coding-DNA position 3293, C replaced by T.
Protein change: p.Ser1098Phe; replaces serine 1098 with phenylalanine.
Molecular consequence: missense variant. On other transcripts: non-coding transcript variant (1).
Genome position (GRCh38, 1-based): chr2:74,363,346, G>A on the plus strand (C>T on the coding strand, the complement: DCTN1 is on the minus strand). VCF-style: chr2-74363346-G-A. GRCh37 (hg19) VCF-style: chr2-74590473-G-A.
Other names: c.3218C>T, p.Ser1073Phe (NM_001135040.3); c.2876C>T, p.Ser959Phe (NM_001135041.3); c.3167C>T, p.Ser1056Phe (NM_001190836.2); c.3272C>T, p.Ser1091Phe (NM_001190837.2); c.3242C>T, p.Ser1081Phe (NM_001378991.1); c.3224C>T, p.Ser1075Phe (NM_001378992.1); c.2891C>T, p.Ser964Phe (NM_023019.4); short protein forms S1056F, S1073F, S1075F, S1081F, S1091F, S1098F, S959F, S964F.
Identifiers: ClinVar variation 2443464 (VCV002443464.1), dbSNP rs2529085837, ClinGen allele CA347337706.